The following is an entry in ClinVar:

NM_006846.4(SPINK5):c.1692+8_1692+11del

Gene: SPINK5 (serine peptidase inhibitor Kazal type 5; plus strand). Cytogenetic location: 5q32.
Variant type: Deletion.
Coding change: c.1692+8_1692+11del on transcript NM_006846.4 (MANE Select); bases 8 to 11 of the intron after coding-DNA position 1692, 4 bases deleted (TTTG; older notation c.1692+8_1692+11delTTTG).
Molecular consequence: intron variant.
Genome position (GRCh38, 1-based): chr5:148,108,845-148,108,848, TTTG deleted; deleting any 4 consecutive bases within chr5:148,108,842-148,108,848 gives the same sequence; the c. name uses the placement nearest the transcript's 3' end. VCF-style (leftmost placement, unchanged base first): chr5-148108841-GTTGT-G. GRCh37 (hg19) VCF-style: chr5-147488404-GTTGT-G.
Other names: c.1692+8_1692+11del (NM_001127698.2, NM_001127699.2); c.1692+8_1692+11delTTTG (NM_006846.3).
Identifiers: ClinVar variation 1921657 (VCV001921657.7), dbSNP rs760360443, ClinGen allele CA3495695.

ClinVar aggregate classification (germline): Likely benign. Review status: criteria provided, single submitter (1 of 4 stars). 2 submissions from 2 submitters: Likely benign (1). 1 of the submissions does not count toward it. Last evaluated 2025-12-29.

Conditions:
Ichthyosis linearis circumflexa. Identifiers: MedGen C0265962, MONDO:0043106, HP:0025810.
SPINK5-related disorder. Also called: SPINK5-related condition.

Submissions (2):

Labcorp Genetics (formerly Invitae), Labcorp
Classification: Likely benign for Ichthyosis linearis circumflexa. Last evaluated: 2025-12-29. Review status: criteria provided, single submitter. Criteria: Invitae Variant Classification Sherloc (09022015). Collection method: clinical testing. Allele origin: germline.

PreventionGenetics, part of Exact Sciences
Classification: Likely benign for SPINK5-related condition. Last evaluated: 2019-03-18. Review status: no assertion criteria provided. Collection method: clinical testing. Allele origin: germline. Not counted in ClinVar's aggregate classification.
Comment: This variant is classified as likely benign based on ACMG/AMP sequence variant interpretation guidelines (Richards et al. 2015 PMID: 25741868, with internal and published modifications).